The following is an entry in ClinVar:

ClinVar aggregate classification (germline): Uncertain significance. Review status: criteria provided, multiple submitters, no conflicts (2 of 4 stars). 2 submissions from 2 submitters: Uncertain significance (2). Last evaluated 2024-01-31.

Conditions:
Neuropathy, hereditary sensory and autonomic, type 2A (HSAN2A). Also called: HSAN IIA; ACROOSTEOLYSIS, GIACCAI TYPE; ACROOSTEOLYSIS, NEUROGENIC; WNK1-Related HSAN2 (HSAN2A); MORVAN DISEASE; NEUROPATHY, CONGENITAL SENSORY. Identifiers: Orphanet 970, MedGen C2752089, MONDO:0024309, OMIM 201300.
Pseudohypoaldosteronism type 2C (PHA2C). Also called: Pseudohypoaldosteronism Type IIC. Identifiers: Orphanet 757, Orphanet 88940, MedGen C1840391, MONDO:0013778, OMIM 614492.

gnomAD v4.1: 14 of 1,614,174 alleles (0.00087%); highest among the groups gnomAD compares: South Asian, 0.0022%; no homozygotes.

Submissions (2):

Fulgent Genetics
Classification: Uncertain significance for Neuropathy, hereditary sensory and autonomic, type 2A; Pseudohypoaldosteronism type 2C. Last evaluated: 2024-01-31. Review status: criteria provided, single submitter. Criteria: ACMG Guidelines, 2015. Collection method: clinical testing. Allele origin: germline.

Labcorp Genetics (formerly Invitae), Labcorp
Classification: Uncertain significance for Neuropathy, hereditary sensory and autonomic, type 2A; Pseudohypoaldosteronism type 2C. Last evaluated: 2023-11-06. Review status: criteria provided, single submitter. Criteria: Invitae Variant Classification Sherloc (09022015). Collection method: clinical testing. Allele origin: germline.
Comment: This sequence change replaces serine, which is neutral and polar, with arginine, which is basic and polar, at codon 2460 of the WNK1 protein (p.Ser2460Arg). This variant is present in population databases (no rsID available, gnomAD 0.003%). This variant has not been reported in the literature in individuals affected with WNK1-related conditions. ClinVar contains an entry for this variant (Variation ID: 573064). Advanced modeling of protein sequence and biophysical properties (such as structural, functional, and spatial information, amino acid conservation, physicochemical variation, residue mobility, and thermodynamic stability) performed at Invitae indicates that this missense variant is not expected to disrupt WNK1 protein function with a negative predictive value of 95%. In summary, the available evidence is currently insufficient to determine the role of this variant in disease. Therefore, it has been classified as a Variant of Uncertain Significance.

NM_018979.4(WNK1):c.6624C>G (p.Ser2208Arg)

Gene: WNK1 (WNK lysine deficient protein kinase 1; plus strand). Cytogenetic location: 12p13.33.
Variant type: single nucleotide variant.
Coding change: c.6624C>G on transcript NM_018979.4 (MANE Select); coding-DNA position 6624, C replaced by G.
Protein change: p.Ser2208Arg; replaces serine 2208 with arginine.
Molecular consequence: missense variant.
Genome position (GRCh38, 1-based): chr12:900,651, C>G. VCF-style: chr12-900651-C-G. GRCh37 (hg19) VCF-style: chr12-1009817-C-G.
Other names: c.7404C>G, p.Ser2468Arg (NM_001184985.2); c.5880C>G, p.Ser1960Arg (NM_014823.3); c.7380C>G, p.Ser2460Arg (NM_213655.5); short protein forms S2208R, S2460R, S1960R, S2468R.
Identifiers: ClinVar variation 573064 (VCV000573064.11), dbSNP rs72650768, ClinGen allele CA231490270.
Genomic context (GRCh38, chr12:900,651, plus strand): 5'-TCCCTCCAGTGACAACCTCTATTCAGCCTTCACCAGTGATGGTGCCATTTCAGTACCAAG[C>G]CTTTCTGCTCCAGGTCAAGGTAATAAAGCAACCATCATCGTCCAAAAACAATAAAATGGA-3'
Protein context (NP_061852.3, residues 2198-2218): FTSDGAISVP[Ser2208Arg]LSAPGQGTSS